The following is an entry in ClinVar:

NM_015450.3(POT1):c.636G>C (p.Arg212=)

Gene: POT1 (protection of telomeres 1; minus strand). Cytogenetic location: 7q31.33.
Variant type: single nucleotide variant.
Coding change: c.636G>C on transcript NM_015450.3 (MANE Select); coding-DNA position 636, G replaced by C.
Protein change: p.Arg212=; no amino-acid change (arginine 212 retained).
Molecular consequence: synonymous variant. On other transcripts: non-coding transcript variant (3).
Genome position (GRCh38, 1-based): chr7:124,859,023, C>G on the plus strand (G>C on the coding strand, the complement: POT1 is on the minus strand). VCF-style: chr7-124859023-C-G. GRCh37 (hg19) VCF-style: chr7-124499077-C-G.
Other names: c.243G>C, p.Arg81= (NM_001042594.2).
Identifiers: ClinVar variation 475091 (VCV000475091.14), dbSNP rs1554425745, ClinGen allele CA457468864.

ClinVar aggregate classification (germline): Likely benign. Review status: criteria provided, multiple submitters, no conflicts (2 of 4 stars). 3 submissions from 3 submitters: Likely benign (3). Last evaluated 2026-08-01.

Conditions:
Hereditary cancer-predisposing syndrome. Also called: Hereditary neoplastic syndrome; Tumor predisposition; Neoplastic Syndromes, Hereditary; Hereditary Cancer Syndrome. Identifiers: Orphanet 140162, MedGen C0027672, MeSH D009386, MONDO:0015356.
Tumor predisposition syndrome 3 (TPDS3). Also called: LONG TELOMERE SYNDROME, POT1-RELATED; POT1 Tumor Predisposition; Melanoma, cutaneous malignant, susceptibility to, 10; Glioma susceptibility 9. Identifiers: Orphanet 618, MedGen C4014476, MONDO:0014368, OMIM 615848.

Submissions (3):

CeGaT Center for Human Genetics Tuebingen
Classification: Likely benign. Last evaluated: 2026-08-01. Review status: criteria provided, single submitter. Criteria: CeGaT Center For Human Genetics Tuebingen Variant Classification Criteria Version 2. Collection method: clinical testing. Allele origin: germline. Affected: yes. Observed: 1 variant allele.
Comment: POT1: PM2:Supporting, BP4, BP7

Labcorp Genetics (formerly Invitae), Labcorp
Classification: Likely benign for Tumor predisposition syndrome 3. Last evaluated: 2025-05-19. Review status: criteria provided, single submitter. Criteria: Invitae Variant Classification Sherloc (09022015). Collection method: clinical testing. Allele origin: germline.

Ambry Genetics
Classification: Likely benign for Hereditary cancer-predisposing syndrome. Last evaluated: 2019-07-08. Review status: criteria provided, single submitter. Criteria: Ambry Variant Classification Scheme 2023. Collection method: clinical testing. Allele origin: germline.